The following is an entry in ClinVar:

NC_000013.11:g.32332703delinsTTT

Gene: BRCA2 (BRCA2 DNA repair associated; plus strand). Cytogenetic location: 13q13.1.
Variant type: Indel.
Genome position: GRCh38 VCF-style: chr13-32332703-G-TTT. GRCh37 (hg19) VCF-style: chr13-32906840-G-TTT.
Other names: 1453_1454delGinsTTT; c.1225delinsTTT, p.Glu409fs (LRG_293t1).
Identifiers: ClinVar variation 266616 (VCV000266616.5), dbSNP rs886040349, ClinGen allele CA10589077.

ClinVar aggregate classification (germline): Pathogenic. Review status: reviewed by expert panel (3 of 4 stars). 2 submissions from 2 submitters: Pathogenic (1). 1 of the submissions does not count toward it. Last evaluated 2016-10-18.

Conditions:
Breast-ovarian cancer, familial, susceptibility to, 2 (BROVCA2). Also called: BRCA2 Hereditary Breast and Ovarian Cancer. Identifiers: Orphanet 145, MedGen C2675520, MONDO:0012933, OMIM 612555. Disease mechanism: loss of function.

Submissions (2):

Evidence-based Network for the Interpretation of Germline Mutant Alleles (ENIGMA)
Classification: Pathogenic for Breast-ovarian cancer, familial, susceptibility to, 2. Last evaluated: 2016-10-18. Review status: reviewed by expert panel. Criteria: ENIGMA BRCA1/2 Classification Criteria (2015). Collection method: curation. Allele origin: germline.
Comment: Variant allele predicted to encode a truncated non-functional protein.

Consortium of Investigators of Modifiers of BRCA1/2 (CIMBA), c/o University of Cambridge
Classification: Pathogenic for Breast-ovarian cancer, familial, susceptibility to, 2. Last evaluated: 2015-10-02. Review status: criteria provided, single submitter. Criteria: CIMBA Mutation Classification guidelines May 2016. Collection method: clinical testing. Allele origin: germline. Not counted in ClinVar's aggregate classification.